The following is an entry in ClinVar:

NM_014049.5(ACAD9):c.1230T>A (p.Tyr410Ter)

Gene: ACAD9 (acyl-CoA dehydrogenase family member 9; plus strand). Cytogenetic location: 3q21.3.
Variant type: single nucleotide variant.
Coding change: c.1230T>A on transcript NM_014049.5 (MANE Select); coding-DNA position 1230, T replaced by A.
Protein change: p.Tyr410Ter; replaces tyrosine 410 with a stop codon.
Molecular consequence: nonsense. On other transcripts: non-coding transcript variant (1).
Genome position (GRCh38, 1-based): chr3:128,906,201, T>A. VCF-style: chr3-128906201-T-A. GRCh37 (hg19) VCF-style: chr3-128625044-T-A.
Other names: c.861T>A, p.Tyr287Ter (NM_001410805.1); short protein forms Y287*, Y410*.
Identifiers: ClinVar variation 2838742 (VCV002838742.3), dbSNP rs1243971835, ClinGen allele CA354437190.

ClinVar aggregate classification (germline): Pathogenic (1 of 4 stars; one submission).

Submission:

Labcorp Genetics (formerly Invitae), Labcorp
Classification: Pathogenic. Last evaluated: 2023-02-18. Review status: criteria provided, single submitter. Criteria: Invitae Variant Classification Sherloc (09022015). Collection method: clinical testing. Allele origin: germline.
Comment: For these reasons, this variant has been classified as Pathogenic. This variant has not been reported in the literature in individuals affected with ACAD9-related conditions. This variant is not present in population databases (gnomAD no frequency). This sequence change creates a premature translational stop signal (p.Tyr410*) in the ACAD9 gene. It is expected to result in an absent or disrupted protein product. Loss-of-function variants in ACAD9 are known to be pathogenic (PMID: 25721401).

Literature cited by the submitters: PubMed 25721401.